The following is an entry in ClinVar:

ClinVar aggregate classification (germline): Likely benign. Review status: reviewed by expert panel (3 of 4 stars). 2 submissions from 2 submitters: Likely benign (1). 1 of the submissions does not count toward it. Last evaluated 2022-02-11.

Conditions:
Overgrowth syndrome and/or cerebral malformations due to abnormalities in MTOR pathway genes. Identifiers: MedGen CN300503, MONDO:0100283.
Megalencephaly-polymicrogyria-postaxial polydactyly-hydrocephalus syndrome. Also called: MPPH Syndrome; MEG-PMG-MEGACC SYNDROME. Identifiers: Orphanet 83473, MedGen C1863924, MONDO:0019375.

Allele frequency attached by ClinVar (database versions not stated): ExAC 0.00003; gnomAD 0.00006 and 0.00008; TOPMed 0.00009.

Submissions (2):

ClinGen Brain Malformations Variant Curation Expert Panel
Classification: Likely benign for Overgrowth syndrome and/or cerebral malformations due to abnormalities in MTOR pathway genes. Last evaluated: 2022-02-11. Review status: reviewed by expert panel. Criteria: ClinGen BrainMalform ACMG Specifications v1. Collection method: curation. Allele origin: germline. Inheritance: Autosomal dominant inheritance.
Comment: This NM_005027.4(PIK3R2): c.1629G>A (p.Glu543=) variant is a synonymous (silent) variant that occurs at a nucleotide that is not conserved according to a PhyloP <0.1 (BP7). The results from in silico splicing predictors MaxEntScan, spliceAI and varSEAK support that this variant does not affect splicing (BP4). In summary, this variant meets the criteria to be classified as Likely benign for mosaic autosomal dominant overgrowth with or without cerebral malformations due to abnormalities in MTOR-pathway genes based on the ACMG/AMP criteria applied, as specified by the ClinGen Brain Malformations Expert Panel: BP4, BP7; -2 points (VCEP specifications version 1; Approved: 1/31/2021)

Labcorp Genetics (formerly Invitae), Labcorp
Classification: Likely benign for Megalencephaly-polymicrogyria-postaxial polydactyly-hydrocephalus syndrome. Last evaluated: 2021-10-31. Review status: criteria provided, single submitter. Criteria: Invitae Variant Classification Sherloc (09022015). Collection method: clinical testing. Allele origin: germline. Not counted in ClinVar's aggregate classification.

NM_005027.4(PIK3R2):c.1629G>A (p.Glu543=)

Gene: PIK3R2 (phosphoinositide-3-kinase regulatory subunit 2; plus strand). Cytogenetic location: 19p13.11.
Variant type: single nucleotide variant.
Coding change: c.1629G>A on transcript NM_005027.4 (MANE Select); coding-DNA position 1629, G replaced by A.
Protein change: p.Glu543=; no amino-acid change (glutamic acid 543 retained).
Molecular consequence: synonymous variant. On other transcripts: non-coding transcript variant (2).
Genome position (GRCh38, 1-based): chr19:18,167,199, G>A. VCF-style: chr19-18167199-G-A. GRCh37 (hg19) VCF-style: chr19-18278009-G-A.
Other names: NM_005027.4(PIK3R2):c.1629G>A; p.Glu543=.
Identifiers: ClinVar variation 779809 (VCV000779809.14), dbSNP rs774532039, ClinGen allele CA9307087.